The following is an entry in ClinVar:

ClinVar aggregate classification (germline): Pathogenic. Review status: criteria provided, multiple submitters, no conflicts (2 of 4 stars). 2 submissions from 2 submitters: Pathogenic (2). Last evaluated 2025-02-24.

Conditions:
Retinitis pigmentosa 66 (RP66). Identifiers: Orphanet 791, MedGen C3715216, MONDO:0014093, OMIM 615233.

Allele frequency attached by ClinVar (database versions not stated): gnomAD below 0.00001 and 0.00001; gnomAD exomes 0.00002 and 0.00005; ExAC 0.00008.
gnomAD v4.1: 29 of 1,613,434 alleles (0.0018%); highest among the groups gnomAD compares: South Asian, 0.032%; no homozygotes.

Submissions (2):

Labcorp Genetics (formerly Invitae), Labcorp
Classification: Pathogenic. Last evaluated: 2025-02-24. Review status: criteria provided, single submitter. Criteria: Invitae Variant Classification Sherloc (09022015). Collection method: clinical testing. Allele origin: germline.
Comment: This sequence change creates a premature translational stop signal (p.Gln54*) in the RBP3 gene. It is expected to result in an absent or disrupted protein product. Loss-of-function variants in RBP3 are known to be pathogenic (PMID: 9614228, 23105016, 25766589). This variant is present in population databases (rs782574616, gnomAD 0.04%). This premature translational stop signal has been observed in individual(s) with RBP3-related conditions (PMID: 37806543). ClinVar contains an entry for this variant (Variation ID: 964958). For these reasons, this variant has been classified as Pathogenic.

3billion
Classification: Pathogenic for Retinitis pigmentosa 66. Last evaluated: 2022-01-03. Review status: criteria provided, single submitter. Criteria: ACMG Guidelines, 2015. Collection method: clinical testing. Allele origin: germline. Affected: yes. Observed: 1 homozygote.
Comment: Stop-gained (nonsense): predicted to result in a loss or disruption of normal protein function through nonsense-mediated decay (NMD) or protein truncation. Multiple pathogenic variants are reported downstream of the variant (PVS1_VS).The variant has been reported to be associated with RBP3 related disorder (ClinVar ID: VCV000964958). It is observed at an extremely low frequency in the gnomAD v2.1.1 dataset (total allele frequency: 0.000052, PM2_M). Therefore, this variant is classified as pathogenic according to the recommendation of ACMG/AMP guideline.

Literature cited by the submitters: PubMed 9614228 (cited by Labcorp Genetics (formerly Invitae), Labcorp); PubMed 23105016 (cited by Labcorp Genetics (formerly Invitae), Labcorp); PubMed 25766589 (cited by Labcorp Genetics (formerly Invitae), Labcorp); PubMed 37806543 (cited by Labcorp Genetics (formerly Invitae), Labcorp).

NM_002900.3(RBP3):c.160C>T (p.Gln54Ter)

Gene: RBP3 (retinol binding protein 3; plus strand). Cytogenetic location: 10q11.22.
Variant type: single nucleotide variant.
Coding change: c.160C>T on transcript NM_002900.3 (MANE Select); coding-DNA position 160, C replaced by T.
Protein change: p.Gln54Ter; replaces glutamine 54 with a stop codon.
Molecular consequence: nonsense.
Genome position (GRCh38, 1-based): chr10:47,348,644, C>T. VCF-style: chr10-47348644-C-T. GRCh37 (hg19) VCF-style: chr10-48390718-G-A.
Other names: short protein forms Q54*.
Identifiers: ClinVar variation 964958 (VCV000964958.8), dbSNP rs782574616, ClinGen allele CA5487851.
Genomic context (GRCh38, chr10:47,348,644, plus strand): 5'-GTCCTCTTGGATAACTACTGCTTCCCGGAGAACCTGCTGGGCATGCAGGAAGCCATCCAG[C>T]AGGCCATCAAGAGCCATGAGATTCTGAGCATCTCAGACCCGCAGACGCTGGCCAGTGTGC-3'